The following is an entry in ClinVar:

ClinVar aggregate classification (germline): Likely pathogenic (0 of 4 stars; one submission).

Conditions:
ADCY10-related disorder. Also called: ADCY10-related condition.

Submission:

PreventionGenetics, part of Exact Sciences
Classification: Likely pathogenic for ADCY10-related condition. Last evaluated: 2024-09-07. Review status: no assertion criteria provided. Collection method: clinical testing. Allele origin: germline.
Comment: The ADCY10 c.1572delG variant is predicted to result in a frameshift and premature protein termination (p.Ile525Tyrfs*3). To our knowledge, this variant has not been reported in the literature. This variant is reported in 0.0018% of alleles in individuals of European (Non-Finnish) descent in gnomAD. Frameshift variants in ADCY10 are expected to be pathogenic. This variant is interpreted as likely pathogenic.

NM_018417.6(ADCY10):c.1572del (p.Ile525fs)

Genes: ADCY10 (adenylate cyclase 10; minus strand), DCAF6 (DDB1 and CUL4 associated factor 6; plus strand). Cytogenetic location: 1q24.2.
Variant type: Deletion.
Coding change: c.1572del on transcript NM_018417.6 (MANE Select); coding-DNA position 1572, one base deleted (G; older notation c.1572delG).
Protein change: p.Ile525fs; shifts the reading frame from isoleucine 525.
Molecular consequence: frameshift variant.
Genome position (GRCh38, 1-based): chr1:167,870,301, C deleted on the plus strand (G on the coding strand, the reverse complement: ADCY10 is on the minus strand). VCF-style (leftmost placement, unchanged base first): chr1-167870300-TC-T. GRCh37 (hg19) VCF-style: chr1-167839538-TC-T.
Other names: c.1113del, p.Ile372fs (NM_001167749.3); c.1296del, p.Ile433fs (NM_001297772.2); short protein forms I372fs, I433fs, I525fs.
Identifiers: ClinVar variation 3344930 (VCV003344930.1).